The following is an entry in ClinVar:

ClinVar aggregate classification (germline): Uncertain significance (1 of 4 stars; one submission).

Conditions:
Kleefstra syndrome 1 (KLEFS1). Identifiers: Orphanet 261494, MedGen C0795833, MONDO:0027407, OMIM 610253.

Submission:

Labcorp Genetics (formerly Invitae), Labcorp
Classification: Uncertain significance for Kleefstra syndrome 1. Last evaluated: 2022-06-15. Review status: criteria provided, single submitter. Criteria: Invitae Variant Classification Sherloc (09022015). Collection method: clinical testing. Allele origin: germline.
Comment: This sequence change replaces asparagine, which is neutral and polar, with aspartic acid, which is acidic and polar, at codon 622 of the EHMT1 protein (p.Asn622Asp). This variant is not present in population databases (gnomAD no frequency). This variant has not been reported in the literature in individuals affected with EHMT1-related conditions. Algorithms developed to predict the effect of missense changes on protein structure and function output the following: SIFT: "Tolerated"; PolyPhen-2: "Benign"; Align-GVGD: "Class C0". The aspartic acid amino acid residue is found in multiple mammalian species, which suggests that this missense change does not adversely affect protein function. In summary, the available evidence is currently insufficient to determine the role of this variant in disease. Therefore, it has been classified as a Variant of Uncertain Significance.

NM_024757.5(EHMT1):c.1864A>G (p.Asn622Asp)

Gene: EHMT1 (euchromatic histone lysine methyltransferase 1; plus strand). Cytogenetic location: 9q34.3.
Variant type: single nucleotide variant.
Coding change: c.1864A>G on transcript NM_024757.5 (MANE Select); coding-DNA position 1864, A replaced by G.
Protein change: p.Asn622Asp; replaces asparagine 622 with aspartic acid.
Molecular consequence: missense variant.
Genome position (GRCh38, 1-based): chr9:137,776,690, A>G. VCF-style: chr9-137776690-A-G. GRCh37 (hg19) VCF-style: chr9-140671142-A-G.
Other names: c.1864A>G, p.Asn622Asp (NM_001145527.2); c.1771A>G, p.Asn591Asp (NM_001354259.2); c.1843A>G, p.Asn615Asp (NM_001354263.2); short protein forms N591D, N615D, N622D.
Identifiers: ClinVar variation 2007123 (VCV002007123.1), dbSNP rs771385806, ClinGen allele CA375776062.
Genomic context (GRCh38, chr9:137,776,690, plus strand): 5'-GAGTGTCAGCCCGAGAGCAGCATCTCTCACCGTTTCCACAAAGACTGTGCCTCTCGAGTC[A>G]ATAACGCCAGCTATTGTCCCCACTGTGGGGAGGAGAGCTCCAAGGCCAAAGAGGTGACGA-3'
Protein context (NP_079033.4, residues 612-632): RFHKDCASRV[Asn622Asp]NASYCPHCGE